The following is an entry in ClinVar:

NM_006005.3(WFS1):c.1148G>A (p.Arg383His)

Gene: WFS1 (wolframin ER transmembrane glycoprotein; plus strand). Cytogenetic location: 4p16.1.
Variant type: single nucleotide variant.
Coding change: c.1148G>A on transcript NM_006005.3 (MANE Select); coding-DNA position 1148, G replaced by A.
Protein change: p.Arg383His; replaces arginine 383 with histidine.
Molecular consequence: missense variant.
Genome position (GRCh38, 1-based): chr4:6,300,943, G>A. VCF-style: chr4-6300943-G-A. GRCh37 (hg19) VCF-style: chr4-6302670-G-A.
Other names: c.1148G>A, p.Arg383His (NM_001145853.1); short protein forms R383H.
Identifiers: ClinVar variation 1168671 (VCV001168671.17), dbSNP rs369450642, ClinGen allele CA2839237.
Genomic context (GRCh38, chr4:6,300,943, plus strand): 5'-AGGTGTTCCAGGACAGCAAGGCCTGGGAGAACTTCCGCACCCTCACCGACCTGCTGCTGC[G>A]CTTCGAGCCCAACCTGGATGTGGAGCAGGCCGAGGTCAACTTCGGCTGGAACCACCTGGA-3'
Protein context (NP_005996.2, residues 373-393): NFRTLTDLLL[Arg383His]FEPNLDVEQA

ClinVar aggregate classification (germline): Conflicting classifications of pathogenicity. Review status: criteria provided, conflicting classifications (1 of 4 stars). 8 submissions from 8 submitters: Uncertain significance (1); Benign (2); Likely benign (3). 2 of the submissions do not count toward it. Last evaluated 2025-12-15.

Conditions:
Wolfram syndrome 1 (WFS1). Identifiers: Orphanet 3463, MedGen C4551693, MONDO:0009101, OMIM 222300.
Autosomal dominant nonsyndromic hearing loss 6 (LFSNHL). Also called: DEAFNESS, AUTOSOMAL DOMINANT 6; DEAFNESS, AUTOSOMAL DOMINANT 14; DEAFNESS, AUTOSOMAL DOMINANT 38; Autosomal dominant nonsyndromic deafness 6. Identifiers: Orphanet 90635, MedGen C1833021, MONDO:0010963, OMIM 600965.
Type 2 diabetes mellitus. Also called: Type II diabetes mellitus. Identifiers: MedGen C0011860, MeSH D003924, MONDO:0005148, OMIM 125853, HP:0005978.
Wolfram-like syndrome. Also called: HEARING LOSS, PROGRESSIVE, WITH OPTIC ATROPHY AND/OR IMPAIRED GLUCOSE REGULATION. Identifiers: Orphanet 411590, MedGen C3280358, MONDO:0013673, OMIM 614296.
Cataract 41 (CTRCT41). Also called: CATARACT 41, CONGENITAL NUCLEAR TYPE. Identifiers: Orphanet 91492, Orphanet 98991, Orphanet 98992, Orphanet 98995, MedGen C3805412, MONDO:0007287, OMIM 116400.

Allele frequency attached by ClinVar (database versions not stated): ESP Exome Variant Server 0.00008; gnomAD 0.00008 and 0.00013; TOPMed 0.00011; 1000 Genomes Project 30x 0.00062; 1000 Genomes Project 0.00080.
gnomAD v4.1: 202 of 1,613,980 alleles (0.013%); highest among the groups gnomAD compares: South Asian, 0.1%; 3 homozygotes.

Submissions (8):

Labcorp Genetics (formerly Invitae), Labcorp
Classification: Benign. Last evaluated: 2025-12-15. Review status: criteria provided, single submitter. Criteria: Invitae Variant Classification Sherloc (09022015). Collection method: clinical testing. Allele origin: germline.

GeneDx
Classification: Uncertain significance. Last evaluated: 2025-06-30. Review status: criteria provided, single submitter. Criteria: GeneDx Variant Classification Process June 2021. Collection method: clinical testing. Allele origin: germline.
Comment: In silico analysis suggests that this missense variant does not alter protein structure/function; This variant is associated with the following publications: (PMID: 35791237)

Blueprint Genetics
Classification: Likely benign. Last evaluated: 2024-10-24. Review status: criteria provided, single submitter. Criteria: ACMG Guidelines, 2015. Collection method: clinical testing. Allele origin: germline.

Fulgent Genetics
Classification: Likely benign for Cataract 41; Type 2 diabetes mellitus; Wolfram syndrome 1; Autosomal dominant nonsyndromic hearing loss 6; Wolfram-like syndrome. Last evaluated: 2021-07-23. Review status: criteria provided, single submitter. Criteria: ACMG Guidelines, 2015. Collection method: clinical testing. Allele origin: unknown.

Victorian Clinical Genetics Services, Murdoch Childrens Research Institute
Classification: Likely benign for Wolfram syndrome 1. Last evaluated: 2020-05-21. Review status: criteria provided, single submitter. Criteria: ACMG Guidelines, 2015. Collection method: clinical testing. Allele origin: germline. Inheritance: Autosomal dominant inheritance.
Comment: A heterozygous missense variant was identified, NM_006005.3(WFS1):c.1148G>A in exon 8 of 8 of the WFS1 gene. This substitution is predicted to create a minor amino acid change from arginine to histidine at position 383 of the protein, NP_005996.2(WFS1):p.(Arg383His). The arginine at this position has low conservation (100 vertebrates, UCSC), and is not situated in a known functional domain. In silico software predictions of the pathogenicity of this variant are conflicting (Polyphen, SIFT, CADD, Mutation Taster). The variant is present in the gnomAD population database at a frequency of 0.09% (24 heterozygotes, 2 homozygotes) in the South Asian subpopulation. Three alternative residue changes at the same location have been reported in the gnomAD database. The variant has been previously reported likely benign (LOVD, VKGL-NL_Leiden). A different variant in the same codon resulting in a change to cysteine has also been reported in Asian patients with type 2 diabetes or autosomal dominant hearing loss, however pathogenicity remains unclear (Kawamoto, T. et al., 2004; Iwasa, Y.I. et al., 2016). Based on information available at the time of curation, this variant has been classified as LIKELY BENIGN. Legend: (P) - Pathogenic, (N) - Neutral, (B) - Benign

Breakthrough Genomics
Classification: Benign. Review status: criteria provided, single submitter. Criteria: ACMG Guidelines, 2015. Collection method: not provided. Allele origin: germline. Inheritance: Autosomal recessive inheritance. Affected: yes.

Clinical Genetics DNA and cytogenetics Diagnostics Lab, Erasmus MC, Erasmus Medical Center
Classification: Likely benign. Review status: no assertion criteria provided. Collection method: clinical testing. Allele origin: germline. Affected: yes. Study: VKGL Data-share Consensus. Not counted in ClinVar's aggregate classification.

Laboratory of Diagnostic Genome Analysis, Leiden University Medical Center (LUMC)
Classification: Likely benign. Review status: no assertion criteria provided. Collection method: clinical testing. Allele origin: germline. Affected: yes. Study: VKGL Data-share Consensus. Not counted in ClinVar's aggregate classification.

Literature cited by the submitters: PubMed 15234338 (cited by Victorian Clinical Genetics Services, Murdoch Childrens Research Institute); PubMed 27911912 (cited by Victorian Clinical Genetics Services, Murdoch Childrens Research Institute).